The following is an entry in ClinVar:

ClinVar aggregate classification (germline): Benign/Likely benign. Review status: criteria provided, multiple submitters, no conflicts (2 of 4 stars). 5 submissions from 5 submitters: Benign (2); Likely benign (2). 1 of the submissions does not count toward it. Last evaluated 2022-04-06.

Conditions:
Decreased response to growth hormone stimulation test. Also called: Growth hormone deficiency. Identifiers: MedGen C5539399, HP:0000824.
GH1-related disorder. Also called: GH1-related condition.

Allele frequency attached by ClinVar (database versions not stated): ExAC 0.04067; 1000 Genomes Project 0.04433; 1000 Genomes Project 30x 0.04763; ESP Exome Variant Server 0.05374; TOPMed 0.05706.
gnomAD v4.1: 66,978 of 1,606,548 alleles (4.2%); highest among the groups gnomAD compares: African/African-American, 9.7%; 1,831 homozygotes.

Submissions (5):

Athena Diagnostics
Classification: Benign. Last evaluated: 2022-04-06. Review status: criteria provided, single submitter. Criteria: Athena Diagnostics Criteria. Collection method: clinical testing. Allele origin: unknown.

GeneDx
Classification: Benign. Last evaluated: 2018-10-15. Review status: criteria provided, single submitter. Criteria: GeneDx Variant Classification Process June 2021. Collection method: clinical testing. Allele origin: germline. Affected: yes.

Illumina Laboratory Services, Illumina
Classification: Likely benign for Growth hormone deficiency. Last evaluated: 2018-01-13. Review status: criteria provided, single submitter. Criteria: ICSL Variant Classification Criteria 13 December 2019. Collection method: clinical testing. Allele origin: germline.
Comment: This variant was observed in the ICSL laboratory as part of a predisposition screen in an ostensibly healthy population. It had not been previously curated by ICSL or reported in the Human Gene Mutation Database (HGMD: prior to June 1st, 2018), and was therefore a candidate for classification through an automated scoring system. Utilizing variant allele frequency, disease prevalence and penetrance estimates, and inheritance mode, an automated score was calculated to assess if this variant is too frequent to cause the disease. Based on the score and internal cut-off values, a variant classified as likely benign is not then subjected to further curation. The score for this variant resulted in a classification of likely benign for this disease.

Breakthrough Genomics
Classification: Likely benign. Review status: criteria provided, single submitter. Criteria: ACMG Guidelines, 2015. Collection method: not provided. Allele origin: germline. Inheritance: Autosomal recessive inheritance. Affected: yes.

PreventionGenetics, part of Exact Sciences
Classification: Benign for GH1-related condition. Last evaluated: 2019-05-17. Review status: no assertion criteria provided. Collection method: clinical testing. Allele origin: germline. Not counted in ClinVar's aggregate classification.
Comment: This variant is classified as benign based on ACMG/AMP sequence variant interpretation guidelines (Richards et al. 2015 PMID: 25741868, with internal and published modifications).

NM_000515.5(GH1):c.-4T>G

Genes: GH1 (growth hormone 1; minus strand), GH-LCR (growth hormone locus control region; plus strand). Cytogenetic location: 17q23.3.
Variant type: single nucleotide variant.
Coding change: c.-4T>G on transcript NM_000515.5 (MANE Select); 4 bases upstream of the start codon, T replaced by G.
Molecular consequence: 5 prime UTR variant.
Genome position (GRCh38, 1-based): chr17:63,918,780, A>C on the plus strand (T>G on the coding strand, the complement: GH1 is on the minus strand). VCF-style: chr17-63918780-A-C. GRCh37 (hg19) VCF-style: chr17-61996140-A-C.
Other names: c.-4T>G (NM_022559.4, NM_022560.4, NM_000515.4).
Identifiers: ClinVar variation 324460 (VCV000324460.10), dbSNP rs6173, ClinGen allele CA8708429.